The following is an entry in ClinVar:

NM_001711.6(BGN):c.234C>A (p.Asp78Glu)

Gene: BGN (biglycan; plus strand). Cytogenetic location: Xq28.
Variant type: single nucleotide variant.
Coding change: c.234C>A on transcript NM_001711.6 (MANE Select); coding-DNA position 234, C replaced by A.
Protein change: p.Asp78Glu; replaces aspartic acid 78 with glutamic acid.
Molecular consequence: missense variant.
Genome position (GRCh38, 1-based): chrX:153,504,865, C>A. VCF-style: chrX-153504865-C-A. GRCh37 (hg19) VCF-style: chrX-152770323-C-A.
Other names: c.234C>A (NM_001711.4); short protein forms D78E.
Identifiers: ClinVar variation 1496309 (VCV001496309.7), dbSNP rs1350388500, ClinGen allele CA415068676.

ClinVar aggregate classification (germline): Uncertain significance. Review status: criteria provided, multiple submitters, no conflicts (2 of 4 stars). 2 submissions from 2 submitters: Uncertain significance (2). Last evaluated 2025-08-31.

Conditions:
Cardiovascular phenotype. Identifiers: MedGen CN230736.

Allele frequency attached by ClinVar (database versions not stated): gnomAD exomes 0.00001.
gnomAD v4.1: 9 of 1,201,661 alleles (0.00075%); highest among the groups gnomAD compares: Non-Finnish European, 0.001%; no homozygotes.

Submissions (2):

Labcorp Genetics (formerly Invitae), Labcorp
Classification: Uncertain significance. Last evaluated: 2025-08-31. Review status: criteria provided, single submitter. Criteria: Invitae Variant Classification Sherloc (09022015). Collection method: clinical testing. Allele origin: germline.
Comment: This sequence change replaces aspartic acid, which is acidic and polar, with glutamic acid, which is acidic and polar, at codon 78 of the BGN protein (p.Asp78Glu). This variant is present in population databases (no rsID available, gnomAD 0.001%). This variant has not been reported in the literature in individuals affected with BGN-related conditions. ClinVar contains an entry for this variant (Variation ID: 1496309). Invitae Evidence Modeling of protein sequence and biophysical properties (such as structural, functional, and spatial information, amino acid conservation, physicochemical variation, residue mobility, and thermodynamic stability) indicates that this missense variant is not expected to disrupt BGN protein function with a negative predictive value of 80%. In summary, the available evidence is currently insufficient to determine the role of this variant in disease. Therefore, it has been classified as a Variant of Uncertain Significance.

Ambry Genetics
Classification: Uncertain significance for Cardiovascular phenotype. Last evaluated: 2024-06-11. Review status: criteria provided, single submitter. Criteria: Ambry Variant Classification Scheme 2023. Collection method: clinical testing. Allele origin: germline.
Comment: The p.D78E variant (also known as c.234C>A), located in coding exon 1 of the BGN gene, results from a C to A substitution at nucleotide position 234. The aspartic acid at codon 78 is replaced by glutamic acid, an amino acid with highly similar properties. This amino acid position is conserved. In addition, this alteration is predicted to be deleterious by in silico analysis. Based on the available evidence, the clinical significance of this variant remains unclear.